The following is an entry in ClinVar:

NM_001042492.3(NF1):c.1458A>G (p.Thr486=)

Gene: NF1 (neurofibromin 1; plus strand). Cytogenetic location: 17q11.2.
Variant type: single nucleotide variant.
Coding change: c.1458A>G on transcript NM_001042492.3 (MANE Select); coding-DNA position 1458, A replaced by G.
Protein change: p.Thr486=; no amino-acid change (threonine 486 retained).
Molecular consequence: synonymous variant.
Genome position (GRCh38, 1-based): chr17:31,214,516, A>G. VCF-style: chr17-31214516-A-G. GRCh37 (hg19) VCF-style: chr17-29541534-A-G.
Other names: c.1458A>G, p.Thr486= (NM_000267.4, NM_001128147.3).
Identifiers: ClinVar variation 237516 (VCV000237516.12), dbSNP rs878853866, ClinGen allele CA10583471.

ClinVar aggregate classification (germline): Benign/Likely benign. Review status: criteria provided, multiple submitters, no conflicts (2 of 4 stars). 3 submissions from 3 submitters: Benign (1); Likely benign (2). Last evaluated 2026-05-15.

Conditions:
Cardiovascular phenotype. Identifiers: MedGen CN230736.
Hereditary cancer-predisposing syndrome. Also called: Hereditary neoplastic syndrome; Neoplastic Syndromes, Hereditary; Hereditary Cancer Syndrome; Tumor predisposition. Identifiers: Orphanet 140162, MedGen C0027672, MeSH D009386, MONDO:0015356.
Neurofibromatosis, type 1 (NF1). Also called: NEUROFIBROMATOSIS, TYPE I, SOMATIC; Neurofibromatosis, type I; VON RECKLINGHAUSEN DISEASE; Peripheral type neurofibromatosis. Identifiers: Orphanet 636, MedGen C0027831, MONDO:0018975, OMIM 162200. Disease mechanism: loss of function.

gnomAD v4.1: 1 of 1,609,066 alleles (0.000062%); highest among the groups gnomAD compares: Non-Finnish European, 0.000085%; no homozygotes.

Submissions (3):

Myriad Genetics, Inc.
Classification: Benign for Neurofibromatosis, type 1. Last evaluated: 2026-05-15. Review status: criteria provided, single submitter. Criteria: Myriad Autosomal Dominant, Autosomal Recessive and X-Linked Classification Criteria (2023). Collection method: clinical testing. Allele origin: unknown.
Comment: This variant is considered benign. This variant is a silent/synonymous amino acid change and it is not expected to impact splicing.

Ambry Genetics
Classification: Likely benign for Cardiovascular phenotype; Hereditary cancer-predisposing syndrome. Last evaluated: 2025-09-14. Review status: criteria provided, single submitter. Criteria: Ambry Variant Classification Scheme 2023. Collection method: clinical testing. Allele origin: germline.

Labcorp Genetics (formerly Invitae), Labcorp
Classification: Likely benign for Neurofibromatosis, type 1. Last evaluated: 2024-04-23. Review status: criteria provided, single submitter. Criteria: Invitae Variant Classification Sherloc (09022015). Collection method: clinical testing. Allele origin: germline.